The following is an entry in ClinVar:

ClinVar aggregate classification (germline): Uncertain significance (1 of 4 stars; one submission).

Conditions:
Glycogen storage disease due to muscle beta-enolase deficiency (GSD13). Also called: ENOLASE 3 DEFICIENCY; ENOLASE-BETA DEFICIENCY; GSD XIII; Glycogen Storage Disease Type XIII. Identifiers: Orphanet 99849, MedGen C2752027, MONDO:0013046, OMIM 612932.

Allele frequency attached by ClinVar (database versions not stated): gnomAD exomes below 0.00001.

Submission:

Labcorp Genetics (formerly Invitae), Labcorp
Classification: Uncertain significance for Glycogen storage disease due to muscle beta-enolase deficiency. Last evaluated: 2018-04-14. Review status: criteria provided, single submitter. Criteria: Invitae Variant Classification Sherloc (09022015). Collection method: clinical testing. Allele origin: germline.
Comment: This variant is not present in population databases (ExAC no frequency). This sequence change replaces methionine with valine at codon 182 of the ENO3 protein (p.Met182Val). The methionine residue is highly conserved and there is a small physicochemical difference between methionine and valine. This variant has not been reported in the literature in individuals with ENO3-related disease. Algorithms developed to predict the effect of missense changes on protein structure and function do not agree on the potential impact of this missense change (SIFT: "Deleterious"; PolyPhen-2: "Benign"; Align-GVGD: "Class C0"). Algorithms developed to predict the effect of sequence changes on RNA splicing suggest that this variant may create or strengthen a splice site, but this prediction has not been confirmed by published transcriptional studies. In summary, the available evidence is currently insufficient to determine the role of this variant in disease. Therefore, it has been classified as a Variant of Uncertain Significance.

NM_053013.4(ENO3):c.544A>G (p.Met182Val)

Gene: ENO3 (enolase 3; plus strand). Cytogenetic location: 17p13.2.
Variant type: single nucleotide variant.
Coding change: c.544A>G on transcript NM_053013.4 (MANE Select); coding-DNA position 544, A replaced by G.
Protein change: p.Met182Val; replaces methionine 182 with valine.
Molecular consequence: missense variant.
Genome position (GRCh38, 1-based): chr17:4,955,174, A>G. VCF-style: chr17-4955174-A-G. GRCh37 (hg19) VCF-style: chr17-4858469-A-G.
Other names: c.415A>G, p.Met139Val (NM_001193503.2); c.544A>G, p.Met182Val (NM_001976.5); short protein forms M182V, M139V.
Identifiers: ClinVar variation 576008 (VCV000576008.8), dbSNP rs1401088566, ClinGen allele CA397290014.